The following is an entry in ClinVar:

NM_000159.4(GCDH):c.990G>C (p.Gln330His)

Gene: GCDH (glutaryl-CoA dehydrogenase; plus strand). Cytogenetic location: 19p13.13.
Variant type: single nucleotide variant.
Coding change: c.990G>C on transcript NM_000159.4 (MANE Select); coding-DNA position 990, G replaced by C.
Protein change: p.Gln330His; replaces glutamine 330 with histidine.
Molecular consequence: missense variant. On other transcripts: non-coding transcript variant (2).
Genome position (GRCh38, 1-based): chr19:12,897,336, G>C. VCF-style: chr19-12897336-G-C. GRCh37 (hg19) VCF-style: chr19-13008150-G-C.
Other names: c.990G>C, p.Gln330His (NM_013976.5); short protein forms Q330H.
Identifiers: ClinVar variation 4845306 (VCV004845306.1).

ClinVar aggregate classification (germline): VUS-mid (1 of 4 stars; one submission).

Conditions:
Glutaric aciduria, type 1. Also called: Glutaric Acidemia Type 1; GA I; Glutaricaciduria, type I; Glutaryl-CoA dehydrogenase deficiency; Glutaric acidemia type I; Glutaricacidemia Type 1. Identifiers: Orphanet 25, MedGen C0268595, MONDO:0009281, OMIM 231670.

Submission:

Centro de Investigaciones en Bioquimica Clinica e Inmunologia, Consejo Nacional de Investigaciones Científicas y Técnicas
Classification: VUS-mid for Glutaric aciduria, type 1. Last evaluated: 2026-03-09. Review status: criteria provided, single submitter. Criteria: ACMG Guidelines, 2015. Collection method: research. Allele origin: paternal. Inheritance: Autosomal recessive inheritance. Affected: yes. Observed: 1 variant allele.
Comment: The variant is absent from the gnomAD population database (PM2_Supporting). Computational prediction using REVEL indicates a deleterious effect (score = 0.89; PP3_Moderate).No additional functional, segregation, or case-level evidence is currently available to support a pathogenic or benign classification. Therefore, based on the available evidence, this variant is classified as a Variant of Uncertain Significance (VUS).